The following is an entry in ClinVar:

NM_006030.4(CACNA2D2):c.510+6C>T

Gene: CACNA2D2 (calcium voltage-gated channel auxiliary subunit alpha2delta 2; minus strand). Cytogenetic location: 3p21.31.
Variant type: single nucleotide variant.
Coding change: c.510+6C>T on transcript NM_006030.4 (MANE Select); 6 bases into the intron after coding-DNA position 510, C replaced by T.
Molecular consequence: intron variant.
Genome position (GRCh38, 1-based): chr3:50,387,562, G>A on the plus strand (C>T on the coding strand, the complement: CACNA2D2 is on the minus strand). VCF-style: chr3-50387562-G-A. GRCh37 (hg19) VCF-style: chr3-50424993-G-A.
Other names: c.303+6C>T (NM_001291101.1); c.510+6C>T (NM_001005505.3, NM_001174051.3).
Identifiers: ClinVar variation 1422085 (VCV001422085.4), dbSNP rs2106702071, ClinGen allele CA2573137223.

ClinVar aggregate classification (germline): Uncertain significance (1 of 4 stars; one submission).

Conditions:
Developmental and epileptic encephalopathy. Identifiers: MedGen C5779964, MONDO:0100620.

gnomAD v4.1: 1 of 1,613,018 alleles (0.000062%); no homozygotes.

Submission:

Labcorp Genetics (formerly Invitae), Labcorp
Classification: Uncertain significance for Early-infantile DEE. Last evaluated: 2021-06-16. Review status: criteria provided, single submitter. Criteria: Invitae Variant Classification Sherloc (09022015). Collection method: clinical testing. Allele origin: germline.
Comment: This sequence change falls in intron 5 of the CACNA2D2 gene. It does not directly change the encoded amino acid sequence of the CACNA2D2 protein. It affects a nucleotide within the consensus splice site of the intron. This variant is not present in population databases (ExAC no frequency). This variant has not been reported in the literature in individuals with CACNA2D2-related conditions. Nucleotide substitutions within the consensus splice site are a relatively common cause of aberrant splicing (PMID: 17576681, 9536098). Algorithms developed to predict the effect of sequence changes on RNA splicing suggest that this variant is not likely to affect RNA splicing, but this prediction has not been confirmed by published transcriptional studies. In summary, the available evidence is currently insufficient to determine the role of this variant in disease. Therefore, it has been classified as a Variant of Uncertain Significance.

Literature cited by the submitters: PubMed 17576681; PubMed 9536098.